The following is an entry in ClinVar:

ClinVar aggregate classification (germline): Pathogenic/Likely pathogenic. Review status: criteria provided, multiple submitters, no conflicts (2 of 4 stars). 3 submissions from 3 submitters: Pathogenic (2); Likely pathogenic (1). Last evaluated 2026-01-11.

Conditions:
COL9A3-related disorders.

Submissions (3):

Labcorp Genetics (formerly Invitae), Labcorp
Classification: Pathogenic. Last evaluated: 2026-01-11. Review status: criteria provided, single submitter. Criteria: Invitae Variant Classification Sherloc (09022015). Collection method: clinical testing. Allele origin: germline.
Comment: This sequence change creates a premature translational stop signal (p.Gly581Trpfs*20) in the COL9A3 gene. It is expected to result in an absent or disrupted protein product. Loss-of-function variants in COL9A3 are known to be pathogenic (PMID: 24273071, 31090205). This variant is present in population databases (rs764718355, gnomAD 0.01%). This variant has not been reported in the literature in individuals affected with COL9A3-related conditions. ClinVar contains an entry for this variant (Variation ID: 871099). For these reasons, this variant has been classified as Pathogenic.

Blueprint Genetics
Classification: Pathogenic for COL9A3-related disorders. Last evaluated: 2024-04-16. Review status: criteria provided, single submitter. Criteria: ACMG Guidelines, 2015. Collection method: clinical testing. Allele origin: germline. Affected: yes. Observed: 5 variant alleles.

CeGaT Center for Human Genetics Tuebingen
Classification: Likely pathogenic. Last evaluated: 2019-08-01. Review status: criteria provided, single submitter. Criteria: CeGaT Center For Human Genetics Tuebingen Variant Classification Criteria Version 2. Collection method: clinical testing. Allele origin: germline. Affected: yes. Observed: 1 variant allele.

Literature cited by the submitters: PubMed 24273071 (cited by Labcorp Genetics (formerly Invitae), Labcorp); PubMed 31090205 (cited by Labcorp Genetics (formerly Invitae), Labcorp).

NM_001853.4(COL9A3):c.1739dup (p.Gly581fs)

Gene: COL9A3 (collagen type IX alpha 3 chain; plus strand). Cytogenetic location: 20q13.33.
Variant type: Duplication.
Coding change: c.1739dup on transcript NM_001853.4 (MANE Select); coding-DNA position 1739, one base duplicated (C; older notation c.1739dupC).
Protein change: p.Gly581fs; shifts the reading frame from glycine 581.
Molecular consequence: frameshift variant.
Genome position (GRCh38, 1-based): chr20:62,837,218, C duplicated; the last of 5 consecutive C bases (chr20:62,837,214-62,837,218); duplicating any one gives the same sequence. VCF-style (leftmost placement, unchanged base first): chr20-62837213-A-AC. GRCh37 (hg19) VCF-style: chr20-61468565-A-AC.
Other names: short protein forms G581fs.
Identifiers: ClinVar variation 871099 (VCV000871099.48), dbSNP rs764718355, ClinGen allele CA9950170.